The following is an entry in ClinVar:

NM_005026.5(PIK3CD):c.1571A>G (p.Tyr524Cys)

Gene: PIK3CD (phosphatidylinositol-4,5-bisphosphate 3-kinase catalytic subunit delta; plus strand). Cytogenetic location: 1p36.22.
Variant type: single nucleotide variant.
Coding change: c.1571A>G on transcript NM_005026.5 (MANE Select); coding-DNA position 1571, A replaced by G.
Protein change: p.Tyr524Cys; replaces tyrosine 524 with cysteine.
Molecular consequence: missense variant.
Genome position (GRCh38, 1-based): chr1:9,720,791, A>G. VCF-style: chr1-9720791-A-G. GRCh37 (hg19) VCF-style: chr1-9780849-A-G.
Other names: c.1568A>G, p.Tyr523Cys (NM_001350234.2, NM_001439206.1); c.1484A>G, p.Tyr495Cys (NM_001350235.1); c.1571A>G, p.Tyr524Cys (NM_001437546.1, NM_001437547.1, NM_001438338.1); short protein forms Y495C, Y523C, Y524C.
Identifiers: ClinVar variation 4795433 (VCV004795433.1).

ClinVar aggregate classification (germline): Likely pathogenic (1 of 4 stars; one submission).

gnomAD v4.1: 1 of 1,612,940 alleles (0.000062%); highest among the groups gnomAD compares: Non-Finnish European, 0.000085%; no homozygotes.

Submission:

GeneDx
Classification: Likely pathogenic. Last evaluated: 2025-08-12. Review status: criteria provided, single submitter. Criteria: GeneDx Variant Classification Process June 2021. Collection method: clinical testing. Allele origin: germline. Affected: yes.
Comment: Published functional study suggests that Tyr524Cys may enhance T cell activity, however, additional research is needed (PMID: 38783148); In silico analysis suggests that this missense variant does not alter protein structure/function; Not observed at significant frequency in large population cohorts (gnomAD); Has not been previously published in individuals with PIK3CD-related immunodeficiency to our knowledge; This variant is associated with the following publications: (PMID: 40543502, 38783148)